The following is an entry in ClinVar:

NM_001205293.3(CACNA1E):c.2981G>A (p.Gly994Glu)

Gene: CACNA1E (calcium voltage-gated channel subunit alpha1 E; plus strand). Cytogenetic location: 1q25.3.
Variant type: single nucleotide variant.
Coding change: c.2981G>A on transcript NM_001205293.3 (MANE Select); coding-DNA position 2981, G replaced by A.
Protein change: p.Gly994Glu; replaces glycine 994 with glutamic acid.
Molecular consequence: missense variant.
Genome position (GRCh38, 1-based): chr1:181,733,469, G>A. VCF-style: chr1-181733469-G-A. GRCh37 (hg19) VCF-style: chr1-181702605-G-A.
Other names: c.2981G>A, p.Gly994Glu (NM_000721.4); c.2924G>A, p.Gly975Glu (NM_001205294.2); short protein forms G975E, G994E.
Identifiers: ClinVar variation 2127018 (VCV002127018.4), dbSNP rs1429283789, ClinGen allele CA343620485.

ClinVar aggregate classification (germline): Uncertain significance (1 of 4 stars; one submission).

Submission:

Labcorp Genetics (formerly Invitae), Labcorp
Classification: Uncertain significance. Last evaluated: 2022-04-16. Review status: criteria provided, single submitter. Criteria: Invitae Variant Classification Sherloc (09022015). Collection method: clinical testing. Allele origin: germline.
Comment: This sequence change replaces glycine, which is neutral and non-polar, with glutamic acid, which is acidic and polar, at codon 994 of the CACNA1E protein (p.Gly994Glu). This variant is not present in population databases (gnomAD no frequency). This variant has not been reported in the literature in individuals affected with CACNA1E-related conditions. Advanced modeling of protein sequence and biophysical properties (such as structural, functional, and spatial information, amino acid conservation, physicochemical variation, residue mobility, and thermodynamic stability) performed at Invitae indicates that this missense variant is not expected to disrupt CACNA1E protein function. In summary, the available evidence is currently insufficient to determine the role of this variant in disease. Therefore, it has been classified as a Variant of Uncertain Significance.